The following is an entry in ClinVar:

ClinVar aggregate classification (germline): Likely benign (1 of 4 stars; one submission).

Allele frequency attached by ClinVar (database versions not stated): gnomAD 0.00001; TOPMed 0.00001 and 0.00002.
gnomAD v4.1: 2 of 1,614,054 alleles (0.00012%); highest among the groups gnomAD compares: African/African-American, 0.0027%; no homozygotes.

Submission:

GeneDx
Classification: Likely benign. Last evaluated: 2017-11-09. Review status: criteria provided, single submitter. Criteria: GeneDx Variant Classification (06012015). Collection method: clinical testing. Allele origin: germline. Affected: yes.
Comment: This variant is considered likely benign or benign based on one or more of the following criteria: it is a conservative change, it occurs at a poorly conserved position in the protein, it is predicted to be benign by multiple in silico algorithms, and/or has population frequency not consistent with disease.

NM_001267550.2(TTN):c.1001C>A (p.Thr334Asn)

Gene: TTN (titin; minus strand). Cytogenetic location: 2q31.2.
Variant type: single nucleotide variant.
Coding change: c.1001C>A on transcript NM_001267550.2 (MANE Select); coding-DNA position 1001, C replaced by A.
Protein change: p.Thr334Asn; replaces threonine 334 with asparagine.
Molecular consequence: missense variant.
Genome position (GRCh38, 1-based): chr2:178,795,166, G>T on the plus strand (C>A on the coding strand, the complement: TTN is on the minus strand). VCF-style: chr2-178795166-G-T. GRCh37 (hg19) VCF-style: chr2-179659893-G-T.
Other names: c.1001C>A, p.Thr334Asn (NM_001256850.1, NM_003319.4, NM_133378.4 and 3 more transcripts); short protein forms T334N.
Identifiers: ClinVar variation 513383 (VCV000513383.1), dbSNP rs1042860959, ClinGen allele CA60986519.
Genomic context (GRCh38, chr2:178,795,166, plus strand): 5'-GAGGAGGCCACGTAGCCCTCTTGCTTCCAAGGGGGAGGCACTTCAGGACCTGTGGCCACG[G>T]TGGATGCCTGAGTCTTACGCATGAGCAATGGAGACCTAACAGACCTGATGGGGGATGTGG-3'
Protein context (NP_001254479.2, residues 324-344): PLLMRKTQAS[Thr334Asn]VATGPEVPPP